The following is an entry in ClinVar:

NM_001395656.1(ROBO2):c.*2459T>C

Gene: ROBO2 (roundabout guidance receptor 2; plus strand). Cytogenetic location: 3p12.3.
Variant type: single nucleotide variant.
Coding change: c.*2459T>C on transcript NM_001395656.1 (MANE Select); 2459 bases downstream of the stop codon, T replaced by C.
Molecular consequence: 3 prime UTR variant.
Genome position (GRCh38, 1-based): chr3:77,648,514, T>C. VCF-style: chr3-77648514-T-C. GRCh37 (hg19) VCF-style: chr3-77697665-T-C.
Other names: c.*2459T>C (NM_001128929.3, NM_001290039.2, NM_001290040.2 and 14 more transcripts); c.*2456T>C (NM_001378194.1, NM_001378196.1, NM_001378199.1 and 3 more transcripts).
Identifiers: ClinVar variation 901575 (VCV000901575.5), dbSNP rs73845746, ClinGen allele CA77534233.

ClinVar aggregate classification (germline): Benign (1 of 4 stars; one submission).

Conditions:
Vesicoureteral reflux 2 (VUR2). Identifiers: Orphanet 289365, MedGen C1970483, MONDO:0012573, OMIM 610878.

Allele frequency attached by ClinVar (database versions not stated): gnomAD 0.00403 and 0.00421; TOPMed 0.00431; 1000 Genomes Project 0.00519; 1000 Genomes Project 30x 0.00531.
gnomAD v4.1: 610 of 152,332 alleles (0.4%); highest among the groups gnomAD compares: African/African-American, 1.4%; 6 homozygotes.

Submission:

Illumina Laboratory Services, Illumina
Classification: Benign for Vesicoureteral reflux 2. Last evaluated: 2018-01-13. Review status: criteria provided, single submitter. Criteria: ICSL Variant Classification Criteria 13 December 2019. Collection method: clinical testing. Allele origin: germline.
Comment: This variant was observed in the ICSL laboratory as part of a predisposition screen in an ostensibly healthy population. It had not been previously curated by ICSL or reported in the Human Gene Mutation Database (HGMD: prior to June 1st, 2018), and was therefore a candidate for classification through an automated scoring system. Utilizing variant allele frequency, disease prevalence and penetrance estimates, and inheritance mode, an automated score was calculated to assess if this variant is too frequent to cause the disease. Based on the score and internal cut-off values, a variant classified as benign is not then subjected to further curation. The score for this variant resulted in a classification of benign for this disease.